The following is an entry in ClinVar:

NM_001042646.3(TRAK1):c.2043T>C (p.Asp681=)

Gene: TRAK1 (trafficking kinesin protein 1; plus strand). Cytogenetic location: 3p22.1.
Variant type: single nucleotide variant.
Coding change: c.2043T>C on transcript NM_001042646.3 (MANE Select); coding-DNA position 2043, T replaced by C.
Protein change: p.Asp681=; no amino-acid change (aspartic acid 681 retained).
Molecular consequence: synonymous variant. On other transcripts: non-coding transcript variant (1).
Genome position (GRCh38, 1-based): chr3:42,219,573, T>C. VCF-style: chr3-42219573-T-C. GRCh37 (hg19) VCF-style: chr3-42261065-T-C.
Other names: c.1668T>C, p.Asp556= (NM_001349245.1); c.1980T>C, p.Asp660= (NM_001349246.2); c.2043T>C, p.Asp681= (NM_001349247.2); c.1758T>C, p.Asp586= (NM_001349248.1); c.1821T>C, p.Asp607= (NM_001349249.1); c.1869T>C, p.Asp623= (NM_001410741.1).
Identifiers: ClinVar variation 2653707 (VCV002653707.24), dbSNP rs375948939, ClinGen allele CA2333753.

ClinVar aggregate classification (germline): Likely benign. Review status: criteria provided, multiple submitters, no conflicts (2 of 4 stars). 2 submissions from 2 submitters: Likely benign (2). Last evaluated 2025-01-08.

Allele frequency attached by ClinVar (database versions not stated): gnomAD 0.00001; ExAC 0.00002; ESP Exome Variant Server 0.00016; gnomAD exomes 0.00004.
gnomAD v4.1: 63 of 1,610,968 alleles (0.0039%); highest among the groups gnomAD compares: Non-Finnish European, 0.0052%; no homozygotes.

Submissions (2):

Labcorp Genetics (formerly Invitae), Labcorp
Classification: Likely benign. Last evaluated: 2025-01-08. Review status: criteria provided, single submitter. Criteria: Invitae Variant Classification Sherloc (09022015). Collection method: clinical testing. Allele origin: germline.

CeGaT Center for Human Genetics Tuebingen
Classification: Likely benign. Last evaluated: 2022-09-01. Review status: criteria provided, single submitter. Criteria: CeGaT Center For Human Genetics Tuebingen Variant Classification Criteria Version 2. Collection method: clinical testing. Allele origin: germline. Affected: yes. Observed: 1 variant allele.
Comment: TRAK1: BP4, BP7